The following is an entry in ClinVar:

ClinVar aggregate classification (germline): Pathogenic (1 of 4 stars; one submission).

Conditions:
Tuberous sclerosis 2 (TSC2). Identifiers: Orphanet 805, MedGen C1860707, MONDO:0013199, OMIM 613254.

Submission:

Labcorp Genetics (formerly Invitae), Labcorp
Classification: Pathogenic for Tuberous sclerosis 2. Last evaluated: 2022-08-06. Review status: criteria provided, single submitter. Criteria: Invitae Variant Classification Sherloc (09022015). Collection method: clinical testing. Allele origin: germline.
Comment: A similar copy number variant has been observed in individual(s) with clinical features of TSC2-related conditions (Invitae). For these reasons, this variant has been classified as Pathogenic. This variant is a gross deletion of the genomic region encompassing exon(s) 7-15 of the TSC2 gene. This deletion is out-of-frame, and is expected to create a premature termination codon and result in an absent or disrupted protein product. Loss-of-function variants in TSC2 are known to be pathogenic (PMID: 10205261, 17304050).

Literature cited by the submitters: PubMed 10205261; PubMed 17304050.

NC_000016.10:g.(?_2056176)_(2064447_?)del

Gene: TSC2 (TSC complex subunit 2; plus strand). Cytogenetic location: 16p13.3.
Variant type: Deletion.
Identifiers: ClinVar variation 654109 (VCV000654109.8).